The following is an entry in ClinVar:

NM_032861.4(SERAC1):c.739-10T>G

Gene: SERAC1 (serine active site containing 1; minus strand). Cytogenetic location: 6q25.3.
Variant type: single nucleotide variant.
Coding change: c.739-10T>G on transcript NM_032861.4 (MANE Select); 10 bases into the intron before coding-DNA position 739, T replaced by G.
Molecular consequence: intron variant.
Genome position (GRCh38, 1-based): chr6:158,130,496, A>C on the plus strand (T>G on the coding strand, the complement: SERAC1 is on the minus strand). VCF-style: chr6-158130496-A-C. GRCh37 (hg19) VCF-style: chr6-158551528-A-C.
Other names: p.?.
Identifiers: ClinVar variation 139095 (VCV000139095.13), dbSNP rs118093738, ClinGen allele CA293467.

ClinVar aggregate classification (germline): Benign. Review status: criteria provided, multiple submitters, no conflicts (2 of 4 stars). 4 submissions from 4 submitters: Benign (4). Last evaluated 2026-01-20.

Conditions:
3-methylglutaconic aciduria with deafness, encephalopathy, and Leigh-like syndrome (MEGDEL). Also called: 3-METHYLGLUTACONIC ACIDURIA, TYPE VI; SERAC1 Deficiency; MEGDEL syndrome. Identifiers: Orphanet 352328, MedGen C4040739, MONDO:0013875, OMIM 614739.

Allele frequency attached by ClinVar (database versions not stated): ESP Exome Variant Server 0.00147; gnomAD 0.00555 and 0.00730; TOPMed 0.00859; ExAC 0.02130; 1000 Genomes Project 30x 0.03170; 1000 Genomes Project 0.03395.
gnomAD v4.1: 8,380 of 1,494,984 alleles (0.56%); highest among the groups gnomAD compares: East Asian, 14%; 515 homozygotes.

Submissions (23):

Labcorp Genetics (formerly Invitae), Labcorp
Classification: Benign for 3-methylglutaconic aciduria with deafness, encephalopathy, and Leigh-like syndrome. Last evaluated: 2026-01-20. Review status: criteria provided, single submitter. Criteria: Invitae Variant Classification Sherloc (09022015). Collection method: clinical testing. Allele origin: germline.

Mayo Clinic Laboratories, Mayo Clinic
Classification: Benign. Last evaluated: 2024-01-10. Review status: criteria provided, single submitter. Criteria: ACMG Guidelines, 2015. Collection method: clinical testing. Allele origin: germline. Observed: 18 variant alleles.

Genome-Nilou Lab
Classification: Benign for 3-methylglutaconic aciduria with deafness, encephalopathy, and Leigh-like syndrome. Last evaluated: 2022-03-15. Review status: criteria provided, single submitter. Criteria: ACMG Guidelines, 2015. Collection method: clinical testing. Allele origin: germline. Affected: no.

GeneDx
Classification: Benign. Last evaluated: 2014-03-03. Review status: criteria provided, single submitter. Criteria: GeneDx Variant Classification (06012015). Collection method: clinical testing. Allele origin: germline. Affected: yes.
Comment: This variant is considered likely benign or benign based on one or more of the following criteria: it is a conservative change, it occurs at a poorly conserved position in the protein, it is predicted to be benign by multiple in silico algorithms, and/or has population frequency not consistent with disease.

Dr. Peter K. Rogan Lab, Western University
No classification provided (evidence only). Condition: Lung cancer. Review status: no classification provided. Collection method: in vitro. Allele origin: not applicable. Functional consequence: retained intron. Not counted in ClinVar's aggregate classification.

Dr. Peter K. Rogan Lab, Western University
No classification provided (evidence only). Condition: Hepatocellular carcinoma. Review status: no classification provided. Collection method: in vitro. Allele origin: not applicable. Functional consequence: skipped exon, retained intron. Not counted in ClinVar's aggregate classification.

Dr. Peter K. Rogan Lab, Western University
No classification provided (evidence only). Condition: Hepatocellular carcinoma. Review status: no classification provided. Collection method: in vitro. Allele origin: not applicable. Functional consequence: skipped exon. Not counted in ClinVar's aggregate classification.

Dr. Peter K. Rogan Lab, Western University
No classification provided (evidence only). Condition: Thymoma. Review status: no classification provided. Collection method: in vitro. Allele origin: not applicable. Functional consequence: retained intron. Not counted in ClinVar's aggregate classification.

Dr. Peter K. Rogan Lab, Western University
No classification provided (evidence only). Condition: Ovarian serous cystadenocarcinoma. Review status: no classification provided. Collection method: in vitro. Allele origin: not applicable. Functional consequence: retained intron. Not counted in ClinVar's aggregate classification.

Dr. Peter K. Rogan Lab, Western University
No classification provided (evidence only). Condition: Gastric cancer. Review status: no classification provided. Collection method: in vitro. Allele origin: not applicable. Functional consequence: retained intron. Not counted in ClinVar's aggregate classification.

Dr. Peter K. Rogan Lab, Western University
No classification provided (evidence only). Condition: Gastric cancer. Review status: no classification provided. Collection method: in vitro. Allele origin: not applicable. Functional consequence: retained intron. Not counted in ClinVar's aggregate classification.

Dr. Peter K. Rogan Lab, Western University
No classification provided (evidence only). Condition: Gastric cancer. Review status: no classification provided. Collection method: in vitro. Allele origin: not applicable. Functional consequence: retained intron. Not counted in ClinVar's aggregate classification.

Dr. Peter K. Rogan Lab, Western University
No classification provided (evidence only). Condition: Familial pancreatic carcinoma. Review status: no classification provided. Collection method: in vitro. Allele origin: not applicable. Functional consequence: retained intron. Not counted in ClinVar's aggregate classification.

Dr. Peter K. Rogan Lab, Western University
No classification provided (evidence only). Condition: Familial pancreatic carcinoma. Review status: no classification provided. Collection method: in vitro. Allele origin: not applicable. Functional consequence: retained intron. Not counted in ClinVar's aggregate classification.

Dr. Peter K. Rogan Lab, Western University
No classification provided (evidence only). Condition: Hepatocellular carcinoma. Review status: no classification provided. Collection method: in vitro. Allele origin: not applicable. Functional consequence: skipped exon. Not counted in ClinVar's aggregate classification.

Dr. Peter K. Rogan Lab, Western University
No classification provided (evidence only). Condition: Hepatocellular carcinoma. Review status: no classification provided. Collection method: in vitro. Allele origin: not applicable. Functional consequence: skipped exon. Not counted in ClinVar's aggregate classification.

Dr. Peter K. Rogan Lab, Western University
No classification provided (evidence only). Condition: Hepatocellular carcinoma. Review status: no classification provided. Collection method: in vitro. Allele origin: not applicable. Functional consequence: retained intron. Not counted in ClinVar's aggregate classification.

Dr. Peter K. Rogan Lab, Western University
No classification provided (evidence only). Condition: Hepatocellular carcinoma. Review status: no classification provided. Collection method: in vitro. Allele origin: not applicable. Functional consequence: skipped exon, retained intron. Not counted in ClinVar's aggregate classification.

Dr. Peter K. Rogan Lab, Western University
No classification provided (evidence only). Condition: Hepatocellular carcinoma. Review status: no classification provided. Collection method: in vitro. Allele origin: not applicable. Functional consequence: skipped exon. Not counted in ClinVar's aggregate classification.

Dr. Peter K. Rogan Lab, Western University
No classification provided (evidence only). Condition: Hepatocellular carcinoma. Review status: no classification provided. Collection method: in vitro. Allele origin: not applicable. Functional consequence: skipped exon. Not counted in ClinVar's aggregate classification.

Dr. Peter K. Rogan Lab, Western University
No classification provided (evidence only). Condition: Hepatocellular carcinoma. Review status: no classification provided. Collection method: in vitro. Allele origin: not applicable. Functional consequence: skipped exon. Not counted in ClinVar's aggregate classification.

Dr. Peter K. Rogan Lab, Western University
No classification provided (evidence only). Condition: Hepatocellular carcinoma. Review status: no classification provided. Collection method: in vitro. Allele origin: not applicable. Functional consequence: retained intron. Not counted in ClinVar's aggregate classification.

Dr. Peter K. Rogan Lab, Western University
No classification provided (evidence only). Condition: Ovarian cancer. Review status: no classification provided. Collection method: in vitro. Allele origin: not applicable. Functional consequence: skipped exon. Not counted in ClinVar's aggregate classification.